The following is an entry in ClinVar:

ClinVar aggregate classification (germline): Pathogenic. Review status: criteria provided, multiple submitters, no conflicts (2 of 4 stars). 3 submissions from 3 submitters: Pathogenic (3). Last evaluated 2024-05-16.

Conditions:
Autosomal recessive limb-girdle muscular dystrophy. Identifiers: Orphanet 102015, MedGen C2931907, MONDO:0015152.
Autosomal recessive limb-girdle muscular dystrophy type 2D (LGMDR3). Also called: ADHALINOPATHY, PRIMARY; DUCHENNE-LIKE AUTOSOMAL RECESSIVE MUSCULAR DYSTROPHY, TYPE 2; MUSCULAR DYSTROPHY, LIMB-GIRDLE, AUTOSOMAL RECESSIVE 3. Identifiers: Orphanet 62, MedGen C2936332, MONDO:0011968, OMIM 608099. Disease mechanism: Affects gamma-sarcoglycan and also disrupts the integrity of the entire sarcoglycan complex..

Submissions (3):

Women's Health and Genetics/Laboratory Corporation of America, LabCorp
Classification: Pathogenic for Autosomal recessive limb-girdle muscular dystrophy. Last evaluated: 2024-05-16. Review status: criteria provided, single submitter. Criteria: LabCorp Variant Classification Summary - May 2015. Collection method: clinical testing. Allele origin: germline.
Comment: Variant summary: SGCA c.86dupA (p.His29GlnfsX15) results in a premature termination codon, predicted to cause a truncation of the encoded protein or absence of the protein due to nonsense mediated decay, which are commonly known mechanisms for disease. The variant was absent in 251428 control chromosomes. c.86dupA has been reported in the literature in the homozygous and compound heterozygous states in individuals affected with Limb-Girdle Muscular Dystrophy (e.g. Ramelli_2006, Trabelsi_2008, Boito_2003). These data indicate that the variant is likely to be associated with disease. The following publications have been ascertained in the context of this evaluation (PMID: 12746421, 16633953, 18285821). ClinVar contains an entry for this variant (Variation ID: 861179). Based on the evidence outlined above, the variant was classified as pathogenic.

Labcorp Genetics (formerly Invitae), Labcorp
Classification: Pathogenic for Autosomal recessive limb-girdle muscular dystrophy type 2D. Last evaluated: 2024-04-25. Review status: criteria provided, single submitter. Criteria: Invitae Variant Classification Sherloc (09022015). Collection method: clinical testing. Allele origin: germline.
Comment: This sequence change creates a premature translational stop signal (p.His29Glnfs*15) in the SGCA gene. It is expected to result in an absent or disrupted protein product. Loss-of-function variants in SGCA are known to be pathogenic (PMID: 9192266). This variant is not present in population databases (gnomAD no frequency). This premature translational stop signal has been observed in individual(s) with limb-girdle muscular dystrophy (PMID: 12746421, 18285821). ClinVar contains an entry for this variant (Variation ID: 861179). Algorithms developed to predict the effect of sequence changes on RNA splicing suggest that this variant may disrupt the consensus splice site. For these reasons, this variant has been classified as Pathogenic.

Baylor Genetics
Classification: Pathogenic for Autosomal recessive limb-girdle muscular dystrophy type 2D. Last evaluated: 2023-01-19. Review status: criteria provided, single submitter. Criteria: ACMG Guidelines, 2015. Collection method: clinical testing. Allele origin: unknown.

Literature cited by the submitters: PubMed 18285821 (cited by Women's Health and Genetics/Laboratory Corporation of America, LabCorp and Labcorp Genetics (formerly Invitae), Labcorp); PubMed 12746421 (cited by Women's Health and Genetics/Laboratory Corporation of America, LabCorp and Labcorp Genetics (formerly Invitae), Labcorp); PubMed 16633953 (cited by Women's Health and Genetics/Laboratory Corporation of America, LabCorp); PubMed 9192266 (cited by Labcorp Genetics (formerly Invitae), Labcorp).

NM_000023.4(SGCA):c.86dup (p.His29fs)

Gene: SGCA (sarcoglycan alpha; plus strand). Cytogenetic location: 17q21.33.
Variant type: Duplication.
Coding change: c.86dup on transcript NM_000023.4 (MANE Select); coding-DNA position 86, one base duplicated (A; older notation c.86dupA).
Protein change: p.His29fs; shifts the reading frame from histidine 29.
Molecular consequence: frameshift variant. On other transcripts: non-coding transcript variant (1).
Genome position (GRCh38, 1-based): chr17:50,167,416, A duplicated. VCF-style (leftmost placement, unchanged base first): chr17-50167415-C-CA. GRCh37 (hg19) VCF-style: chr17-48244776-C-CA.
Other names: c.86dup, p.His29fs (NM_001135697.3); c.86dupA (NM_000023.4); short protein forms H29fs.
Identifiers: ClinVar variation 861179 (VCV000861179.12), dbSNP rs1904986620, ClinGen allele CA916080842.